The following is an entry in ClinVar:

ClinVar aggregate classification (germline): Likely pathogenic (1 of 4 stars; one submission).

Conditions:
Cohen syndrome (COH1). Also called: PEPPER SYNDROME; Cutis verticis gyrata, retinitis pigmentosa, and sensorineural deafness. Identifiers: Orphanet 193, MedGen C0265223, MONDO:0008999, OMIM 216550.

Submission:

Labcorp Genetics (formerly Invitae), Labcorp
Classification: Likely pathogenic for Cohen syndrome. Last evaluated: 2020-06-10. Review status: criteria provided, single submitter. Criteria: Invitae Variant Classification Sherloc (09022015). Collection method: clinical testing. Allele origin: germline.
Comment: This variant results in a copy number gain of the genomic region encompassing exon(s) 20-24 of the VPS13B gene. While the exact position of this variant cannot be determined from the data, sub-genic copy number gains are generally in tandem (PMID: 25640679). This variant is predicted to be out-of-frame, and may result in an absent or disrupted protein product. This variant has not been reported in the literature in individuals with VPS13B-related conditions. Loss-of-function variants in VPS13B are known to be pathogenic (PMID: 15141358, 16648375, 20461111). In summary, the currently available evidence indicates that the variant is pathogenic, but additional data are needed to prove that conclusively. Therefore, this variant has been classified as Likely Pathogenic.

Literature cited by the submitters: PubMed 25640679; PubMed 15141358; PubMed 16648375; PubMed 20461111.

NC_000008.10:g.(?_100396426)_(100479872_?)dup

Gene: VPS13B (vacuolar protein sorting 13 homolog B; plus strand). Cytogenetic location: 8q22.2.
Variant type: Duplication.
Identifiers: ClinVar variation 1066497 (VCV001066497.5).